The following is an entry in ClinVar:

NM_000038.6(APC):c.2308T>C (p.Ser770Pro)

Gene: APC (APC regulator of Wnt signaling pathway; plus strand). Cytogenetic location: 5q22.2.
Variant type: single nucleotide variant.
Coding change: c.2308T>C on transcript NM_000038.6 (MANE Select); coding-DNA position 2308, T replaced by C.
Protein change: p.Ser770Pro; replaces serine 770 with proline.
Molecular consequence: missense variant.
Genome position (GRCh38, 1-based): chr5:112,837,902, T>C. VCF-style: chr5-112837902-T-C. GRCh37 (hg19) VCF-style: chr5-112173599-T-C.
Other names: c.2308T>C, p.Ser770Pro (NM_001127510.3, NM_001354895.2); c.2254T>C, p.Ser752Pro (NM_001127511.3); c.2362T>C, p.Ser788Pro (NM_001354896.2); c.2338T>C, p.Ser780Pro (NM_001354897.2); c.2233T>C, p.Ser745Pro (NM_001354898.2); c.2224T>C, p.Ser742Pro (NM_001354899.2); c.2185T>C, p.Ser729Pro (NM_001354900.2); c.2131T>C, p.Ser711Pro (NM_001354901.2); and 5 more; short protein forms S752P, S770P, S745P, S487P, S644P, S679P, S742P, S788P.
Identifiers: ClinVar variation 140988 (VCV000140988.28), dbSNP rs587781419, ClinGen allele CA007358.
Genomic context (GRCh38, chr5:112,837,902, plus strand): 5'-CCATCTCTTCATGTTAGGAAACAAAAAGCCCTAGAAGCAGAATTAGATGCTCAGCACTTA[T>C]CAGAAACTTTTGACAATATAGACAATTTAAGTCCCAAGGCATCTCATCGTAGTAAGCAGA-3'
Protein context (NP_000029.2, residues 760-780): LEAELDAQHL[Ser770Pro]ETFDNIDNLS

ClinVar aggregate classification (germline): Uncertain significance. Review status: criteria provided, multiple submitters, no conflicts (2 of 4 stars). 9 submissions from 9 submitters: Uncertain significance (7). 2 of the submissions do not count toward it. Last evaluated 2025-09-03.

Conditions:
Classic or attenuated familial adenomatous polyposis. Identifiers: MedGen CN372698, MONDO:0021057.
APC-related disorder. Also called: APC-related condition.
Familial multiple polyposis syndrome (FAP). Also called: Familial adenomatous polyposis; Familial intestinal polyposis; Familial polyposis; Familial Adenomatous Polyposis (FAP); Classic familial adenomatous polyposis. Identifiers: Orphanet 733, MedGen C0032580, MONDO:0021055. Disease mechanism: loss of function.
Familial adenomatous polyposis 1 (FAP1). Also called: FAMILIAL ADENOMATOUS POLYPOSIS 1, ATTENUATED; POLYPOSIS, ADENOMATOUS INTESTINAL. Identifiers: MedGen C2713442, MONDO:0021056, OMIM 175100. Disease mechanism: loss of function.
Hereditary cancer-predisposing syndrome. Also called: Tumor predisposition; Hereditary neoplastic syndrome; Neoplastic Syndromes, Hereditary; Hereditary Cancer Syndrome. Identifiers: Orphanet 140162, MedGen C0027672, MeSH D009386, MONDO:0015356.

Allele frequency attached by ClinVar (database versions not stated): TOPMed 0.00001; gnomAD exomes 0.00002; gnomAD 0.00001.
gnomAD v4.1: 37 of 1,614,032 alleles (0.0023%); highest among the groups gnomAD compares: Non-Finnish European, 0.0031%; no homozygotes.

Submissions (9):

Labcorp Genetics (formerly Invitae), Labcorp
Classification: Uncertain significance for Familial adenomatous polyposis 1. Last evaluated: 2025-09-03. Review status: criteria provided, single submitter. Criteria: Invitae Variant Classification Sherloc (09022015). Collection method: clinical testing. Allele origin: germline.
Comment: This sequence change replaces serine, which is neutral and polar, with proline, which is neutral and non-polar, at codon 770 of the APC protein (p.Ser770Pro). This variant is present in population databases (rs587781419, gnomAD 0.007%). This missense change has been observed in individual(s) with colorectal cancer, pancreatic cancer and biliary tract cancer (PMID: 25479140, 30267214, 36243179). ClinVar contains an entry for this variant (Variation ID: 140988). Invitae Evidence Modeling of protein sequence and biophysical properties (such as structural, functional, and spatial information, amino acid conservation, physicochemical variation, residue mobility, and thermodynamic stability) indicates that this missense variant is not expected to disrupt APC protein function with a negative predictive value of 95%. In summary, the available evidence is currently insufficient to determine the role of this variant in disease. Therefore, it has been classified as a Variant of Uncertain Significance.

Ambry Genetics
Classification: Uncertain significance for Hereditary cancer-predisposing syndrome. Last evaluated: 2025-08-05. Review status: criteria provided, single submitter. Criteria: Ambry Variant Classification Scheme 2023. Collection method: clinical testing. Allele origin: germline.
Comment: The p.S770P variant (also known as c.2308T>C), located in coding exon 15 of the APC gene, results from a T to C substitution at nucleotide position 2308. The serine at codon 770 is replaced by proline, an amino acid with similar properties. In one study, this variant was detected in 1/165 colorectal cancer and/or polyposis patients and was identified in 0/2512 control individuals from a healthy population database (Rosenthal EA et al. Hum Genet. 2018 Oct;137:795-806). This amino acid position is highly conserved in available vertebrate species. In addition, in silico predictors for this gene do not accurately predict pathogenicity. Since supporting evidence is limited at this time, the clinical significance of this alteration remains unclear.

Quest Diagnostics Nichols Institute San Juan Capistrano
Classification: Uncertain significance. Last evaluated: 2025-03-04. Review status: criteria provided, single submitter. Criteria: Quest Diagnostics criteria. Collection method: clinical testing. Allele origin: unknown.
Comment: The APC c.2308T>C (p.Ser770Pro) variant has been reported in the published literature in individuals with pancreatic cancer (PMID: 25479140 (2015)) and colorectal cancer (PMID: 30267214 (2018)). This variant has also been identified in a reportedly healthy individual (PMID: 36243179 (2022)). The frequency of this variant in the general population (Genome Aggregation Database) is uninformative in the assessment of its pathogenicity. Analysis of this variant using bioinformatics tools for the prediction of the effect of amino acid changes on protein structure and function yielded predictions that this variant is damaging. Based on the available information, we are unable to determine the clinical significance of this variant.

All of Us Research Program, National Institutes of Health
Classification: Uncertain significance for Classic or attenuated familial adenomatous polyposis. Last evaluated: 2024-07-29. Review status: criteria provided, single submitter. Criteria: ACMG Guidelines, 2015. Collection method: clinical testing. Allele origin: germline. Inheritance: Autosomal dominant inheritance. Observed: 3 variant alleles, 3 heterozygotes.
Comment: This missense variant replaces serine with proline at codon 770 of the APC protein. Computational prediction is inconclusive regarding the impact of this variant on protein structure and function (internally defined REVEL score threshold 0.5 < inconclusive < 0.7, PMID: 27666373). To our knowledge, functional studies have not been reported for this variant. This variant has been reported in an individual affected with pancreatic cancer (PMID: 25479140) and in at least one individual in a cohort of individuals affected with colorectal cancer (PMID: 30267214). This variant has been identified in 1/31402 chromosomes in the general population by the Genome Aggregation Database (gnomAD). The available evidence is insufficient to determine the role of this variant in disease conclusively. Therefore, this variant is classified as a Variant of Uncertain Significance.

This study involves interpretation of variants in research participants for the purpose of population health screening. Participant phenotype was not available at the time of variant classification. Additional details can be found in publication PMID: 35346344, PMCID: PMC8962531

Color Diagnostics, LLC DBA Color Health
Classification: Uncertain significance for Hereditary cancer-predisposing syndrome. Last evaluated: 2024-07-16. Review status: criteria provided, single submitter. Criteria: ACMG Guidelines, 2015. Collection method: clinical testing. Allele origin: germline.
Comment: This missense variant replaces serine with proline at codon 770 of the APC protein. Computational prediction is inconclusive regarding the impact of this variant on protein structure and function (internally defined REVEL score threshold 0.5 < inconclusive < 0.7, PMID: 27666373). To our knowledge, functional studies have not been reported for this variant. This variant has been reported in an individual affected with pancreatic cancer (PMID: 25479140) and in at least one individual in a cohort of individuals affected with colorectal cancer (PMID: 30267214). This variant has been identified in 1/31402 chromosomes in the general population by the Genome Aggregation Database (gnomAD). The available evidence is insufficient to determine the role of this variant in disease conclusively. Therefore, this variant is classified as a Variant of Uncertain Significance.

GeneDx
Classification: Uncertain significance. Last evaluated: 2024-03-13. Review status: criteria provided, single submitter. Criteria: GeneDx Variant Classification Process June 2021. Collection method: clinical testing. Allele origin: germline. Affected: yes.
Comment: Not observed at significant frequency in large population cohorts (gnomAD); In silico analysis supports that this missense variant does not alter protein structure/function; Observed in individuals with colorectal or pancreatic cancer (PMID: 25479140, 30267214); This variant is associated with the following publications: (PMID: 25479140, 30267214, 36243179)

Myriad Genetics, Inc.
Classification: Uncertain significance for Familial adenomatous polyposis 1. Last evaluated: 2023-02-21. Review status: criteria provided, single submitter. Criteria: Myriad Autosomal Dominant, Autosomal Recessive and X-Linked Classification Criteria (2023). Collection method: clinical testing. Allele origin: unknown.
Comment: This variant is classified as a variant of uncertain significance as there is insufficient evidence to determine its impact on protein function and/or cancer risk.

PreventionGenetics, part of Exact Sciences
Classification: Uncertain significance for APC-related condition. Last evaluated: 2023-12-14. Review status: no assertion criteria provided. Collection method: clinical testing. Allele origin: germline. Not counted in ClinVar's aggregate classification.
Comment: The APC c.2308T>C variant is predicted to result in the amino acid substitution p.Ser770Pro. This variant was reported in individuals with pancreatic cancer or colorectal cancer (Table S1, Grant et al. 2015. PubMed ID: 25479140; Table S2, Rosenthal et al. 2018. PubMed ID: 30267214). This variant was also documented in only control individuals in a biliary tract cancer case-control study (Table S2, Okawa et al. 2023. PubMed ID: 36243179). This variant is reported in 0.0065% of alleles in individuals of European (Non-Finnish) descent in gnomAD and is interpreted as uncertain significance in ClinVar. At this time, the clinical significance of this variant is uncertain due to the absence of conclusive functional and genetic evidence.

Counsyl
Classification: Uncertain significance for Familial adenomatous polyposis 1. Last evaluated: 2017-09-18. Review status: no assertion criteria provided. Collection method: clinical testing. Allele origin: unknown. Not counted in ClinVar's aggregate classification.

Literature cited by the submitters: PubMed 25479140 (cited by 5 submitters); PubMed 30267214 (cited by 5 submitters); PubMed 36243179 (cited by Labcorp Genetics (formerly Invitae), Labcorp and Quest Diagnostics Nichols Institute San Juan Capistrano).